The following is an entry in ClinVar:

NM_033419.5(PGAP3):c.639C>G (p.Tyr213Ter)

Gene: PGAP3 (post-GPI attachment to proteins phospholipase 3; minus strand). Cytogenetic location: 17q12.
Variant type: single nucleotide variant.
Coding change: c.639C>G on transcript NM_033419.5 (MANE Select); coding-DNA position 639, C replaced by G.
Protein change: p.Tyr213Ter; replaces tyrosine 213 with a stop codon.
Molecular consequence: nonsense. On other transcripts: intron variant (3).
Genome position (GRCh38, 1-based): chr17:39,673,569, G>C on the plus strand (C>G on the coding strand, the complement: PGAP3 is on the minus strand). VCF-style: chr17-39673569-G-C. GRCh37 (hg19) VCF-style: chr17-37829822-G-C.
Other names: c.486C>G, p.Tyr162Ter (NM_001291726.2); c.576C>G, p.Tyr192Ter (NM_001291728.2); c.433-703C>G (NM_001291733.2); c.494+424C>G (NM_001291732.2); c.557+424C>G (NM_001291730.2); short protein forms Y213*, Y192*, Y162*.
Identifiers: ClinVar variation 620555 (VCV000620555.7), dbSNP rs746891574, ClinGen allele CA8533285.

ClinVar aggregate classification (germline): Pathogenic/Likely pathogenic. Review status: criteria provided, multiple submitters, no conflicts (2 of 4 stars). 2 submissions from 2 submitters: Pathogenic (1); Likely pathogenic (1). Last evaluated 2026-10-01.

Allele frequency attached by ClinVar (database versions not stated): TOPMed 0.00001; gnomAD exomes below 0.00001; ExAC 0.00001; gnomAD 0.00002.

Submissions (2):

GeneDx
Classification: Likely pathogenic. Last evaluated: 2026-10-01. Review status: criteria provided, single submitter. Criteria: GeneDx Variant Classification Process June 2021. Collection method: clinical testing. Allele origin: germline.
Comment: Reported in a proband with developmental delay who also harbors an additional PGAP3 variant; however, the phase of these variants is not known (PMID: 37647829); Nonsense variant predicted to result in protein truncation or nonsense mediated decay in a gene for which loss of function is a known mechanism of disease; Not observed at significant frequency in large population cohorts (gnomAD); This variant is associated with the following publications: (PMID: 37647829)

Labcorp Genetics (formerly Invitae), Labcorp
Classification: Pathogenic. Last evaluated: 2025-10-22. Review status: criteria provided, single submitter. Criteria: Invitae Variant Classification Sherloc (09022015). Collection method: clinical testing. Allele origin: germline.
Comment: This sequence change creates a premature translational stop signal (p.Tyr213*) in the PGAP3 gene. It is expected to result in an absent or disrupted protein product. Loss-of-function variants in PGAP3 are known to be pathogenic (PMID: 2443911, 27120253). This variant is present in population databases (rs746891574, gnomAD 0.0009%). This variant has not been reported in the literature in individuals affected with PGAP3-related conditions. ClinVar contains an entry for this variant (Variation ID: 620555). Algorithms developed to predict the effect of sequence changes on RNA splicing suggest that this variant may create or strengthen a splice site. For these reasons, this variant has been classified as Pathogenic.

Literature cited by the submitters: PubMed 2443911 (cited by Labcorp Genetics (formerly Invitae), Labcorp); PubMed 27120253 (cited by Labcorp Genetics (formerly Invitae), Labcorp).